The following is an entry in ClinVar:

NM_014112.5(TRPS1):c.3716A>G (p.Asp1239Gly)

Gene: TRPS1 (transcriptional repressor GATA binding 1; minus strand). Cytogenetic location: 8q23.3.
Variant type: single nucleotide variant.
Coding change: c.3716A>G on transcript NM_014112.5 (MANE Select); coding-DNA position 3716, A replaced by G.
Protein change: p.Asp1239Gly; replaces aspartic acid 1239 with glycine.
Molecular consequence: missense variant.
Genome position (GRCh38, 1-based): chr8:115,414,192, T>C on the plus strand (A>G on the coding strand, the complement: TRPS1 is on the minus strand). VCF-style: chr8-115414192-T-C. GRCh37 (hg19) VCF-style: chr8-116426420-T-C.
Other names: c.3689A>G, p.Asp1230Gly (NM_001282902.3); c.3695A>G, p.Asp1232Gly (NM_001282903.3); c.3677A>G, p.Asp1226Gly (NM_001330599.2); short protein forms D1226G, D1230G, D1232G, D1239G.
Identifiers: ClinVar variation 1302118 (VCV001302118.2), dbSNP rs2129745670, ClinGen allele CA372062146.

ClinVar aggregate classification (germline): Uncertain significance (1 of 4 stars; one submission).

Submission:

GeneDx
Classification: Uncertain significance. Last evaluated: 2019-06-20. Review status: criteria provided, single submitter. Criteria: GeneDx Variant Classification Process June 2021. Collection method: clinical testing. Allele origin: germline. Affected: yes.
Comment: Not observed in large population cohorts (Lek et al., 2016); In silico analysis, which includes protein predictors and evolutionary conservation, supports a deleterious effect; Has not been previously published as pathogenic or benign to our knowledge